The following is an entry in ClinVar:

ClinVar aggregate classification (germline): Uncertain significance (1 of 4 stars; one submission).

Allele frequency attached by ClinVar (database versions not stated): gnomAD exomes 0.00001; TOPMed 0.00001.
gnomAD v4.1: 9 of 1,613,984 alleles (0.00056%); highest among the groups gnomAD compares: Non-Finnish European, 0.00059%; no homozygotes.

Submission:

Labcorp Genetics (formerly Invitae), Labcorp
Classification: Uncertain significance. Last evaluated: 2021-11-24. Review status: criteria provided, single submitter. Criteria: Invitae Variant Classification Sherloc (09022015). Collection method: clinical testing. Allele origin: germline.
Comment: In summary, the available evidence is currently insufficient to determine the role of this variant in disease. Therefore, it has been classified as a Variant of Uncertain Significance. Algorithms developed to predict the effect of missense changes on protein structure and function (SIFT, PolyPhen-2, Align-GVGD) all suggest that this variant is likely to be tolerated. This variant has not been reported in the literature in individuals affected with NUP62-related conditions. This variant is present in population databases (rs757619226, gnomAD 0.0009%). This sequence change replaces isoleucine, which is neutral and non-polar, with leucine, which is neutral and non-polar, at codon 125 of the NUP62 protein (p.Ile125Leu).

NM_016553.5(NUP62):c.373A>T (p.Ile125Leu)

Genes: IL4I1 (interleukin 4 induced 1; minus strand), NUP62 (nucleoporin 62; minus strand). Cytogenetic location: 19q13.33.
Variant type: single nucleotide variant.
Coding change: c.373A>T on transcript NM_016553.5 (MANE Select); coding-DNA position 373, A replaced by T.
Protein change: p.Ile125Leu; replaces isoleucine 125 with leucine.
Molecular consequence: missense variant. On other transcripts: intron variant (3).
Genome position (GRCh38, 1-based): chr19:49,909,435, T>A on the plus strand (A>T on the coding strand, the complement: NUP62 is on the minus strand). VCF-style: chr19-49909435-T-A. GRCh37 (hg19) VCF-style: chr19-50412692-T-A.
Other names: c.373A>T, p.Ile125Leu (NM_001193357.2, NM_012346.5, NM_153718.4 and 1 more transcripts); c.-227-5114A>T (NM_001258017.2, NM_172374.3); c.-285-5114A>T (NM_001258018.2); short protein forms I125L.
Identifiers: ClinVar variation 1378251 (VCV001378251.6), dbSNP rs757619226, ClinGen allele CA9589153.